The following is an entry in ClinVar:

NM_025114.4(CEP290):c.7003dup (p.Gln2335fs)

Gene: CEP290 (centrosomal protein 290; minus strand). Cytogenetic location: 12q21.32.
Variant type: Duplication.
Coding change: c.7003dup on transcript NM_025114.4 (MANE Select); coding-DNA position 7003, one base duplicated (C; older notation c.7003dupC).
Protein change: p.Gln2335fs; shifts the reading frame from glutamine 2335.
Molecular consequence: frameshift variant.
Genome position (GRCh38, 1-based): chr12:88,054,371, G duplicated on the plus strand (C on the coding strand, the reverse complement: CEP290 is on the minus strand). VCF-style (leftmost placement, unchanged base first): chr12-88054370-T-TG. GRCh37 (hg19) VCF-style: chr12-88448147-T-TG.
Other names: short protein forms Q2335fs.
Identifiers: ClinVar variation 2942556 (VCV002942556.3), dbSNP rs2499445099, ClinGen allele CA2740092443.
Genomic context (GRCh38, chr12:88,054,370, plus strand): 5'-ACAAAGTAGTCATATGAATACATGATGTACCTAAGAACTTGAAGCTCCCGTTTAAGGCCT[T>TG]GCTCTGTCTCAGCACCTTCAGGAACATGTTTAAGAATCTTAATCTTTGAGGACAATGAAA-3'

ClinVar aggregate classification (germline): Pathogenic (1 of 4 stars; one submission).

Conditions:
Joubert syndrome. Also called: CEREBELLOPARENCHYMAL DISORDER IV; JOUBERT-BOLTSHAUSER SYNDROME; Familial aplasia of the vermis. Identifiers: Orphanet 475, MedGen C5979921, MONDO:0018772.
Nephronophthisis. Also called: Juvenile Nephronophthisis. Identifiers: Orphanet 655, MedGen C0687120, MONDO:0019005, HP:0000090.
Meckel-Gruber syndrome. Also called: DYSENCEPHALIA SPLANCHNOCYSTICA; GRUBER SYNDROME; Dysencephalia splachnocystica. Identifiers: Orphanet 564, MedGen C0265215, MONDO:0018921.

Submission:

Labcorp Genetics (formerly Invitae), Labcorp
Classification: Pathogenic for Joubert syndrome; Meckel-Gruber syndrome; Nephronophthisis. Last evaluated: 2022-12-21. Review status: criteria provided, single submitter. Criteria: Invitae Variant Classification Sherloc (09022015). Collection method: clinical testing. Allele origin: germline.
Comment: This sequence change creates a premature translational stop signal (p.Gln2335Profs*4) in the CEP290 gene. It is expected to result in an absent or disrupted protein product. Loss-of-function variants in CEP290 are known to be pathogenic (PMID: 16909394, 17345604, 20690115). This variant is not present in population databases (gnomAD no frequency). This variant has not been reported in the literature in individuals affected with CEP290-related conditions. Algorithms developed to predict the effect of sequence changes on RNA splicing suggest that this variant may disrupt the consensus splice site. For these reasons, this variant has been classified as Pathogenic.

Literature cited by the submitters: PubMed 16909394; PubMed 17345604; PubMed 20690115.